The following is an entry in ClinVar:

NM_152384.3(BBS5):c.59+5G>A

Genes: BBS5 (Bardet-Biedl syndrome 5; plus strand), LOC129935068 (ATAC-STARR-seq lymphoblastoid active region 16738; plus strand). Cytogenetic location: 2q31.1.
Variant type: single nucleotide variant.
Coding change: c.59+5G>A on transcript NM_152384.3 (MANE Select); 5 bases into the intron after coding-DNA position 59, G replaced by A.
Molecular consequence: intron variant.
Genome position (GRCh38, 1-based): chr2:169,479,617, G>A. VCF-style: chr2-169479617-G-A. GRCh37 (hg19) VCF-style: chr2-170336127-G-A.
Identifiers: ClinVar variation 1482234 (VCV001482234.4), dbSNP rs2105290053, ClinGen allele CA2573133669.

ClinVar aggregate classification (germline): Uncertain significance. Review status: criteria provided, multiple submitters, no conflicts (2 of 4 stars). 2 submissions from 2 submitters: Uncertain significance (2). Last evaluated 2022-05-05.

Conditions:
Bardet-Biedl syndrome 5 (BBS5). Identifiers: Orphanet 110, MedGen C3892039, MONDO:0014434, OMIM 615983.
Bardet-Biedl syndrome (BBS). Identifiers: Orphanet 110, MedGen C0752166, MONDO:0015229.

Submissions (2):

Fulgent Genetics
Classification: Uncertain significance for Bardet-Biedl syndrome 5. Last evaluated: 2022-05-05. Review status: criteria provided, single submitter. Criteria: ACMG Guidelines, 2015. Collection method: clinical testing. Allele origin: unknown.

Labcorp Genetics (formerly Invitae), Labcorp
Classification: Uncertain significance for Bardet-Biedl syndrome. Last evaluated: 2021-01-16. Review status: criteria provided, single submitter. Criteria: Invitae Variant Classification Sherloc (09022015). Collection method: clinical testing. Allele origin: germline.
Comment: This sequence change falls in intron 1 of the BBS5 gene. It does not directly change the encoded amino acid sequence of the BBS5 protein. It affects a nucleotide within the consensus splice site of the intron. This variant is not present in population databases (ExAC no frequency). This variant has not been reported in the literature in individuals with BBS5-related conditions. Nucleotide substitutions within the consensus splice site are a relatively common cause of aberrant splicing (PMID: 17576681, 9536098). Algorithms developed to predict the effect of sequence changes on RNA splicing suggest that this variant may disrupt the consensus splice site, but this prediction has not been confirmed by published transcriptional studies. In summary, the available evidence is currently insufficient to determine the role of this variant in disease. Therefore, it has been classified as a Variant of Uncertain Significance.

Literature cited by the submitters: PubMed 17576681 (cited by Labcorp Genetics (formerly Invitae), Labcorp); PubMed 9536098 (cited by Labcorp Genetics (formerly Invitae), Labcorp).